The following is an entry in ClinVar:

NM_006517.5(SLC16A2):c.224A>G (p.His75Arg)

Gene: SLC16A2 (solute carrier family 16 member 2; plus strand). Cytogenetic location: Xq13.2.
Variant type: single nucleotide variant.
Coding change: c.224A>G on transcript NM_006517.5 (MANE Select); coding-DNA position 224, A replaced by G.
Protein change: p.His75Arg; replaces histidine 75 with arginine.
Molecular consequence: missense variant.
Genome position (GRCh38, 1-based): chrX:74,421,861, A>G. VCF-style: chrX-74421861-A-G. GRCh37 (hg19) VCF-style: chrX-73641696-A-G.
Other names: short protein forms H75R.
Identifiers: ClinVar variation 1367685 (VCV001367685.6), dbSNP rs2147833992, ClinGen allele CA413656037.

ClinVar aggregate classification (germline): Uncertain significance (1 of 4 stars; one submission).

Conditions:
Spastic paraplegia. Identifiers: MedGen C0037772, HP:0001258.

gnomAD v4.1: 2 of 1,207,321 alleles (0.00017%); highest among the groups gnomAD compares: Admixed American, 0.0022%; no homozygotes.

Submission:

Labcorp Genetics (formerly Invitae), Labcorp
Classification: Uncertain significance for Spastic paraplegia. Last evaluated: 2021-12-02. Review status: criteria provided, single submitter. Criteria: Invitae Variant Classification Sherloc (09022015). Collection method: clinical testing. Allele origin: germline.
Comment: In summary, the available evidence is currently insufficient to determine the role of this variant in disease. Therefore, it has been classified as a Variant of Uncertain Significance. Advanced modeling of protein sequence and biophysical properties (such as structural, functional, and spatial information, amino acid conservation, physicochemical variation, residue mobility, and thermodynamic stability) performed at Invitae indicates that this missense variant is not expected to disrupt SLC16A2 protein function. This variant has not been reported in the literature in individuals affected with SLC16A2-related conditions. This variant is not present in population databases (gnomAD no frequency). This sequence change replaces histidine, which is basic and polar, with arginine, which is basic and polar, at codon 75 of the SLC16A2 protein (p.His75Arg).